The following is an entry in ClinVar:

Conditions:
Breast-ovarian cancer, familial, susceptibility to, 1 (BROVCA1). Also called: BRCA1 Hereditary Breast and Ovarian Cancer; OVARIAN CANCER, SUSCEPTIBILITY TO. Identifiers: Orphanet 145, MedGen C2676676, MONDO:0011450, OMIM 604370. Disease mechanism: loss of function.

Submission:

Brotman Baty Institute, University of Washington
No classification provided (evidence only). Condition: Breast-ovarian cancer, familial 1. Review status: no classification provided. Collection method: in vitro. Allele origin: not applicable. Functional consequence: functionally_normal.
ClinVar note: "not provided" was previously submitted as the classification for the variant. However, the classification appeared to be based only on an observation of functional data so it was converted to no classification on 2025-07-30.

NM_007294.4(BRCA1):c.5153-6C>G

Gene: BRCA1 (BRCA1 DNA repair associated; minus strand). Cytogenetic location: 17q21.31.
Variant type: single nucleotide variant.
Coding change: c.5153-6C>G on transcript NM_007294.4 (MANE Select); 6 bases into the intron before coding-DNA position 5153, C replaced by G.
Molecular consequence: intron variant.
Genome position (GRCh38, 1-based): chr17:43,063,379, G>C on the plus strand (C>G on the coding strand, the complement: BRCA1 is on the minus strand). VCF-style: chr17-43063379-G-C. GRCh37 (hg19) VCF-style: chr17-41215396-G-C.
Other names: c.1841-6C>G (NM_001407990.1, NM_007299.4, NM_001407991.1 and 12 more transcripts); c.1844-6C>G (NM_001407974.1, NM_001407973.1, NM_001407975.1 and 3 more transcripts); c.2546-6C>G (NM_001407969.1); c.2549-6C>G (NM_001407968.1); c.5147-6C>G (NM_001407640.1, NM_001407631.1, NM_001407638.1 and 14 more transcripts); c.5150-6C>G (NM_001407626.1, NM_001407617.1, NM_001407622.1 and 17 more transcripts); c.5075-6C>G (NM_001407652.1, NM_001407653.1, NM_001407655.1 and 1 more transcripts); c.5153-6C>G (NM_001407854.1, NM_001407598.1, NM_001407596.1 and 7 more transcripts); and 72 more.
Identifiers: ClinVar variation 867740 (VCV000867740.3), dbSNP rs80358129, ClinGen allele CA916080052.
Genomic context (GRCh38, chr17:43,063,379, plus strand): 5'-CATCAAGTACTTACCTCATTCAGCATTTTTCTTTCTTTAATAGACTGGGTCACCCCTAAA[G>C]AGATCATAGAAAAGACAGGTTACATACAGCAGAAGAACGTGCTCTTTTCACGGAGATAGA-3'